The following is an entry in ClinVar:

ClinVar aggregate classification (germline): Conflicting classifications of pathogenicity. Review status: criteria provided, conflicting classifications (1 of 4 stars). 5 submissions from 5 submitters: Uncertain significance (1); Benign (1); Likely benign (3). Last evaluated 2025-07-17.

Conditions:
Familial adenomatous polyposis 1 (FAP1). Also called: POLYPOSIS, ADENOMATOUS INTESTINAL; FAMILIAL ADENOMATOUS POLYPOSIS 1, ATTENUATED. Identifiers: MedGen C2713442, MONDO:0021056, OMIM 175100. Disease mechanism: loss of function.
Hereditary cancer-predisposing syndrome. Also called: Tumor predisposition; Neoplastic Syndromes, Hereditary; Hereditary Cancer Syndrome; Hereditary neoplastic syndrome. Identifiers: Orphanet 140162, MedGen C0027672, MeSH D009386, MONDO:0015356.

Allele frequency attached by ClinVar (database versions not stated): gnomAD exomes below 0.00001; gnomAD 0.00001; TOPMed 0.00001.
gnomAD v4.1: 3 of 1,614,052 alleles (0.00019%); highest among the groups gnomAD compares: African/African-American, 0.004%; no homozygotes.

Submissions (5):

Color Diagnostics, LLC DBA Color Health
Classification: Likely benign for Hereditary cancer-predisposing syndrome. Last evaluated: 2025-07-17. Review status: criteria provided, single submitter. Criteria: ACMG Guidelines, 2015. Collection method: clinical testing. Allele origin: germline.

Labcorp Genetics (formerly Invitae), Labcorp
Classification: Likely benign for Familial adenomatous polyposis 1. Last evaluated: 2024-09-17. Review status: criteria provided, single submitter. Criteria: Invitae Variant Classification Sherloc (09022015). Collection method: clinical testing. Allele origin: germline.

Myriad Genetics, Inc.
Classification: Benign for Familial adenomatous polyposis 1. Last evaluated: 2024-03-07. Review status: criteria provided, single submitter. Criteria: Myriad Autosomal Dominant, Autosomal Recessive and X-Linked Classification Criteria (2023). Collection method: clinical testing. Allele origin: unknown.
Comment: This variant is considered benign. This variant is a silent/synonymous amino acid change and it is not expected to impact splicing.

Quest Diagnostics Nichols Institute San Juan Capistrano
Classification: Uncertain significance. Last evaluated: 2019-06-24. Review status: criteria provided, single submitter. Criteria: Quest Diagnostics criteria. Collection method: clinical testing. Allele origin: germline.

Ambry Genetics
Classification: Likely benign for Hereditary cancer-predisposing syndrome. Last evaluated: 2018-11-21. Review status: criteria provided, single submitter. Criteria: Ambry Variant Classification Scheme 2023. Collection method: clinical testing. Allele origin: germline.

NM_000038.6(APC):c.1815T>C (p.Asp605=)

Gene: APC (APC regulator of Wnt signaling pathway; plus strand). Cytogenetic location: 5q22.2.
Variant type: single nucleotide variant.
Coding change: c.1815T>C on transcript NM_000038.6 (MANE Select); coding-DNA position 1815, T replaced by C.
Protein change: p.Asp605=; no amino-acid change (aspartic acid 605 retained).
Molecular consequence: synonymous variant.
Genome position (GRCh38, 1-based): chr5:112,835,022, T>C. VCF-style: chr5-112835022-T-C. GRCh37 (hg19) VCF-style: chr5-112170719-T-C.
Other names: c.1815T>C, p.Asp605= (NM_001127510.3, NM_001354895.2); c.1761T>C, p.Asp587= (NM_001127511.3); c.1869T>C, p.Asp623= (NM_001354896.2); c.1845T>C, p.Asp615= (NM_001354897.2); c.1740T>C, p.Asp580= (NM_001354898.2); c.1731T>C, p.Asp577= (NM_001354899.2); c.1692T>C, p.Asp564= (NM_001354900.2); c.1638T>C, p.Asp546= (NM_001354901.2); and 5 more.
Identifiers: ClinVar variation 801028 (VCV000801028.14), dbSNP rs1239983557, ClinGen allele CA445758853.